The following is an entry in ClinVar:

ClinVar aggregate classification (germline): Likely benign. Review status: criteria provided, multiple submitters, no conflicts (2 of 4 stars). 3 submissions from 3 submitters: Likely benign (3). Last evaluated 2024-07-19.

Allele frequency attached by ClinVar (database versions not stated): TOPMed below 0.00001; gnomAD exomes below 0.00001 and 0.00001.
gnomAD v4.1: 18 of 1,612,966 alleles (0.0011%); highest among the groups gnomAD compares: Non-Finnish European, 0.0015%; no homozygotes.

Submissions (3):

Labcorp Genetics (formerly Invitae), Labcorp
Classification: Likely benign. Last evaluated: 2024-07-19. Review status: criteria provided, single submitter. Criteria: Invitae Variant Classification Sherloc (09022015). Collection method: clinical testing. Allele origin: germline.

Ambry Genetics
Classification: Likely benign. Last evaluated: 2022-05-01. Review status: criteria provided, single submitter. Criteria: Ambry Variant Classification Scheme 2023. Collection method: clinical testing. Allele origin: germline.

GeneDx
Classification: Likely benign. Last evaluated: 2018-03-21. Review status: criteria provided, single submitter. Criteria: GeneDx Variant Classification (06012015). Collection method: clinical testing. Allele origin: germline. Affected: yes.
Comment: This variant is considered likely benign or benign based on one or more of the following criteria: it is a conservative change, it occurs at a poorly conserved position in the protein, it is predicted to be benign by multiple in silico algorithms, and/or has population frequency not consistent with disease.

NM_002907.4(RECQL):c.1146T>C (p.Asp382=)

Gene: RECQL (RecQ like helicase; minus strand). Cytogenetic location: 12p12.1.
Variant type: single nucleotide variant.
Coding change: c.1146T>C on transcript NM_002907.4 (MANE Select); coding-DNA position 1146, T replaced by C.
Protein change: p.Asp382=; no amino-acid change (aspartic acid 382 retained).
Molecular consequence: synonymous variant.
Genome position (GRCh38, 1-based): chr12:21,475,538, A>G on the plus strand (T>C on the coding strand, the complement: RECQL is on the minus strand). VCF-style: chr12-21475538-A-G. GRCh37 (hg19) VCF-style: chr12-21628472-A-G.
Other names: c.1146T>C, p.Asp382= (NM_032941.3).
Identifiers: ClinVar variation 681143 (VCV000681143.12), dbSNP rs1405659459, ClinGen allele CA478870398.